The following is an entry in ClinVar:

NM_003680.4(YARS1):c.430G>A (p.Asp144Asn)

Gene: YARS1 (tyrosyl-tRNA synthetase 1; minus strand). Cytogenetic location: 1p35.1.
Variant type: single nucleotide variant.
Coding change: c.430G>A on transcript NM_003680.4 (MANE Select); coding-DNA position 430, G replaced by A.
Protein change: p.Asp144Asn; replaces aspartic acid 144 with asparagine.
Molecular consequence: missense variant.
Genome position (GRCh38, 1-based): chr1:32,806,562, C>T on the plus strand (G>A on the coding strand, the complement: YARS1 is on the minus strand). VCF-style: chr1-32806562-C-T. GRCh37 (hg19) VCF-style: chr1-33272163-C-T.
Other names: short protein forms D144N.
Identifiers: ClinVar variation 448885 (VCV000448885.3), dbSNP rs1312825385, ClinGen allele CA339686871.
Genomic context (GRCh38, chr1:32,806,562, plus strand): 5'-GGCCACTCAGCAAAGGGTGCTCCACCTGCTTTACCACCTCAGCTCCAGCCTTCTTGGAAT[C>T]GTGCTGTGTGACCACGGAGGAGAGTCTGTACACATCTAGTGTGTACTCTCTGAAGAGGAA-3'
Protein context (NP_003671.1, residues 134-154): YRLSSVVTQH[Asp144Asn]SKKAGAEVVK

ClinVar aggregate classification (germline): Uncertain significance. Review status: criteria provided, multiple submitters, no conflicts (2 of 4 stars). 2 submissions from 2 submitters: Uncertain significance (2). Last evaluated 2021-08-09.

Conditions:
Inborn genetic diseases. Identifiers: MedGen C0950123, MeSH D030342.

Allele frequency attached by ClinVar (database versions not stated): gnomAD exomes below 0.00001; TOPMed below 0.00001.

Submissions (2):

Ambry Genetics
Classification: Uncertain significance for Inborn genetic diseases. Last evaluated: 2021-08-09. Review status: criteria provided, single submitter. Criteria: Ambry Variant Classification Scheme 2023. Collection method: clinical testing. Allele origin: germline.
Comment: The p.D144N variant (also known as c.430G>A), located in coding exon 4 of the YARS gene, results from a G to A substitution at nucleotide position 430. The aspartic acid at codon 144 is replaced by asparagine, an amino acid with highly similar properties. This amino acid position is conserved. In addition, this alteration is predicted to be tolerated by in silico analysis. Since supporting evidence is limited at this time, the clinical significance of this alteration remains unclear.

Athena Diagnostics
Classification: Uncertain significance. Last evaluated: 2017-06-06. Review status: criteria provided, single submitter. Criteria: Athena Diagnostics Criteria. Collection method: clinical testing. Allele origin: germline.